The following is an entry in ClinVar:

NM_006158.5(NEFL):c.311T>C (p.Phe104Ser)

Gene: NEFL (neurofilament light chain; minus strand). Cytogenetic location: 8p21.2.
Variant type: single nucleotide variant.
Coding change: c.311T>C on transcript NM_006158.5 (MANE Select); coding-DNA position 311, T replaced by C.
Protein change: p.Phe104Ser; replaces phenylalanine 104 with serine.
Molecular consequence: missense variant.
Genome position (GRCh38, 1-based): chr8:24,956,205, A>G on the plus strand (T>C on the coding strand, the complement: NEFL is on the minus strand). VCF-style: chr8-24956205-A-G. GRCh37 (hg19) VCF-style: chr8-24813719-A-G.
Other names: short protein forms F104S.
Identifiers: ClinVar variation 2658487 (VCV002658487.24), dbSNP rs2486887830, ClinGen allele CA370622834.

ClinVar aggregate classification (germline): Uncertain significance (1 of 4 stars; one submission).

Submission:

CeGaT Center for Human Genetics Tuebingen
Classification: Uncertain significance. Last evaluated: 2023-10-01. Review status: criteria provided, single submitter. Criteria: CeGaT Center For Human Genetics Tuebingen Variant Classification Criteria Version 2. Collection method: clinical testing. Allele origin: germline. Affected: yes. Observed: 1 variant allele.
Comment: NEFL: PM2, PM5, PS4:Supporting